The following is an entry in ClinVar:

ClinVar aggregate classification (germline): Pathogenic (1 of 4 stars; one submission).

Allele frequency attached by ClinVar (database versions not stated): gnomAD exomes below 0.00001; TOPMed below 0.00001.

Submission:

Labcorp Genetics (formerly Invitae), Labcorp
Classification: Pathogenic. Last evaluated: 2023-07-03. Review status: criteria provided, single submitter. Criteria: Invitae Variant Classification Sherloc (09022015). Collection method: clinical testing. Allele origin: germline.
Comment: For these reasons, this variant has been classified as Pathogenic. This variant has not been reported in the literature in individuals affected with TRIM37-related conditions. This variant is not present in population databases (gnomAD no frequency). This sequence change creates a premature translational stop signal (p.Asn759*) in the TRIM37 gene. It is expected to result in an absent or disrupted protein product. Loss-of-function variants in TRIM37 are known to be pathogenic (PMID: 10888877, 15108285).

Literature cited by the submitters: PubMed 10888877; PubMed 15108285.

NM_015294.6(TRIM37):c.2274dup (p.Asn759Ter)

Gene: TRIM37 (tripartite motif containing 37; minus strand). Cytogenetic location: 17q22.
Variant type: Duplication.
Coding change: c.2274dup on transcript NM_015294.6 (MANE Select); coding-DNA position 2274, one base duplicated (T; older notation c.2274dupT).
Protein change: p.Asn759Ter; replaces asparagine 759 with a stop codon.
Molecular consequence: nonsense. On other transcripts: non-coding transcript variant (2).
Genome position (GRCh38, 1-based): chr17:59,017,408, A duplicated on the plus strand (T on the coding strand, the reverse complement: TRIM37 is on the minus strand). VCF-style (leftmost placement, unchanged base first): chr17-59017407-T-TA. GRCh37 (hg19) VCF-style: chr17-57094768-T-TA.
Other names: c.2274dup, p.Asn759Ter (NM_001005207.5, NM_001320988.3, NM_001320989.3 and 1 more transcripts); c.2172dup, p.Asn725Ter (NM_001320987.3, NM_001353082.2); c.1908dup, p.Asn637Ter (NM_001320990.3); c.1539dup, p.Asn514Ter (NM_001353083.2); c.1812dup, p.Asn605Ter (NM_001353085.2); c.2223dup, p.Asn742Ter (NM_001353086.2); short protein forms N759*, N514*, N742*, N605*, N637*, N725*.
Identifiers: ClinVar variation 3001301 (VCV003001301.3), dbSNP rs2036084457, ClinGen allele CA2267956516.